The following is an entry in ClinVar:

NC_000016.9:g.(?_30712146)_(30768418_?)dup

Genes: PHKG2 (phosphorylase kinase catalytic subunit gamma 2; plus strand), SRCAP (Snf2 related CREBBP activator protein; plus strand). Cytogenetic location: 16p11.2.
Variant type: Duplication.
Identifiers: ClinVar variation 2425631 (VCV002425631.3).

ClinVar aggregate classification (germline): Uncertain significance (1 of 4 stars; one submission).

Submission:

Labcorp Genetics (formerly Invitae), Labcorp
Classification: Uncertain significance. Last evaluated: 2022-07-27. Review status: criteria provided, single submitter. Criteria: Invitae Variant Classification Sherloc (09022015). Collection method: clinical testing. Allele origin: germline.
Comment: A copy number gain of the genomic region encompassing the full coding sequence of the SRCAP gene has been identified. The boundaries of this event are unknown as they extend beyond the assayed region for this gene and therefore may encompass additional genes. As the precise location of this event is unknown, it may be in tandem or it may be located elsewhere in the genome. This variant has not been reported in the literature in individuals affected with SRCAP-related conditions. In summary, the available evidence is currently insufficient to determine the role of this variant in disease. Therefore, it has been classified as a Variant of Uncertain Significance.